The following is an entry in ClinVar:

NM_000238.4(KCNH2):c.2692+32C>G

Gene: KCNH2 (potassium voltage-gated channel subfamily H member 2; minus strand). Cytogenetic location: 7q36.1.
Variant type: single nucleotide variant.
Coding change: c.2692+32C>G on transcript NM_000238.4 (MANE Select); 32 bases into the intron after coding-DNA position 2692, C replaced by G.
Molecular consequence: intron variant.
Genome position (GRCh38, 1-based): chr7:150,948,412, G>C on the plus strand (C>G on the coding strand, the complement: KCNH2 is on the minus strand). VCF-style: chr7-150948412-G-C. GRCh37 (hg19) VCF-style: chr7-150645500-G-C.
Other names: c.1672+32C>G (NM_172057.3).
Identifiers: ClinVar variation 671952 (VCV000671952.1), dbSNP rs778222452, ClinGen allele CA034432.
Genomic context (GRCh38, chr7:150,948,412, plus strand): 5'-GCCTGGGTAAAGCAGACACGGCCCACCCCGCCTTCCAGCTCCCAGCCTCACCTTGTCCCC[G>C]CCCTCCCCCTTCCTCCCCTCCCCCGCCTCACCCTTGTCCGTGCGCCTGCGGAAGGACAAC-3'

ClinVar aggregate classification (germline): Benign (1 of 4 stars; one submission).

Submission:

GeneDx
Classification: Benign. Last evaluated: 2018-06-14. Review status: criteria provided, single submitter. Criteria: GeneDx Variant Classification (06012015). Collection method: clinical testing. Allele origin: germline. Affected: yes.
Comment: This variant is considered likely benign or benign based on one or more of the following criteria: it is a conservative change, it occurs at a poorly conserved position in the protein, it is predicted to be benign by multiple in silico algorithms, and/or has population frequency not consistent with disease.